The following is an entry in ClinVar:

NM_005219.5(DIAPH1):c.1461+20G>A

Gene: DIAPH1 (diaphanous related formin 1; minus strand). Cytogenetic location: 5q31.3.
Variant type: single nucleotide variant.
Coding change: c.1461+20G>A on transcript NM_005219.5 (MANE Select); 20 bases into the intron after coding-DNA position 1461, G replaced by A.
Molecular consequence: intron variant.
Genome position (GRCh38, 1-based): chr5:141,576,210, C>T on the plus strand (G>A on the coding strand, the complement: DIAPH1 is on the minus strand). VCF-style: chr5-141576210-C-T. GRCh37 (hg19) VCF-style: chr5-140955777-C-T.
Other names: c.1434+20G>A (NM_001079812.3); c.1461+20G>A (NM_001314007.2).
Identifiers: ClinVar variation 259674 (VCV000259674.21), dbSNP rs2302103, ClinGen allele CA3479292.

ClinVar aggregate classification (germline): Benign. Review status: criteria provided, multiple submitters, no conflicts (2 of 4 stars). 9 submissions from 8 submitters: Benign (7). 2 of the submissions do not count toward it. Last evaluated 2026-02-04.

Conditions:
Progressive microcephaly-seizures-cortical blindness-developmental delay syndrome. Also called: Seizures, cortical blindness, and microcephaly syndrome. Identifiers: Orphanet 477814, MedGen C5567650, MONDO:0014714, OMIM 616632.
Autosomal dominant nonsyndromic hearing loss 1. Also called: KONIGSMARK SYNDROME; DEAFNESS, AUTOSOMAL DOMINANT 1, WITH OR WITHOUT THROMBOCYTOPENIA. Identifiers: Orphanet 90635, MedGen C1852282, MONDO:0007424, OMIM 124900.

Allele frequency attached by ClinVar (database versions not stated): TOPMed 0.68209; gnomAD exomes 0.60712 and 0.62471; ExAC 0.62602; 1000 Genomes Project 0.64097; 1000 Genomes Project 30x 0.65194; gnomAD 0.67298 and 0.67950; ESP Exome Variant Server 0.68108.
gnomAD v4.1: 957,762 of 1,561,494 alleles (61%); highest among the groups gnomAD compares: African/African-American, 85%; 299,370 homozygotes.

Submissions (9):

Labcorp Genetics (formerly Invitae), Labcorp
Classification: Benign for Progressive microcephaly-seizures-cortical blindness-developmental delay syndrome; Autosomal dominant nonsyndromic hearing loss 1. Last evaluated: 2026-02-04. Review status: criteria provided, single submitter. Criteria: Invitae Variant Classification Sherloc (09022015). Collection method: clinical testing. Allele origin: germline.

Blueprint Genetics
Classification: Benign. Last evaluated: 2024-11-26. Review status: criteria provided, single submitter. Criteria: ACMG Guidelines, 2015. Collection method: clinical testing. Allele origin: germline.

Unidad de Genómica Garrahan, Hospital de Pediatría Garrahan
Classification: Benign. Last evaluated: 2024-01-24. Review status: criteria provided, single submitter. Criteria: ACMG Guidelines, 2015. Collection method: clinical testing. Allele origin: germline. Affected: no. Observed: 91 variant alleles.
Comment: This variant is classified as Benign based on local population frequency. This variant was detected in 96% of patients studied by a panel of primary immunodeficiencies. Number of patients: 91. Only high quality variants are reported.

Genome-Nilou Lab
Classification: Benign for Autosomal dominant nonsyndromic hearing loss 1. Last evaluated: 2021-07-30. Review status: criteria provided, single submitter. Criteria: ACMG Guidelines, 2015. Collection method: clinical testing. Allele origin: germline. Affected: no.

Genome-Nilou Lab
Classification: Benign for Progressive microcephaly-seizures-cortical blindness-developmental delay syndrome. Last evaluated: 2021-07-30. Review status: criteria provided, single submitter. Criteria: ACMG Guidelines, 2015. Collection method: clinical testing. Allele origin: germline. Affected: no.

GeneDx
Classification: Benign. Last evaluated: 2018-06-24. Review status: criteria provided, single submitter. Criteria: GeneDx Variant Classification Process June 2021. Collection method: clinical testing. Allele origin: germline. Affected: yes.

PreventionGenetics, part of Exact Sciences
Classification: Benign. Review status: criteria provided, single submitter. Criteria: ACMG Guidelines, 2015. Collection method: clinical testing. Allele origin: germline.

Diagnostic Laboratory, Department of Genetics, University Medical Center Groningen
Classification: Benign. Review status: no assertion criteria provided. Collection method: clinical testing. Allele origin: germline. Affected: yes. Study: VKGL Data-share Consensus. Not counted in ClinVar's aggregate classification.

Joint Genome Diagnostic Labs from Nijmegen and Maastricht, Radboudumc and MUMC+
Classification: Benign. Review status: no assertion criteria provided. Collection method: clinical testing. Allele origin: germline. Affected: yes. Study: VKGL Data-share Consensus. Not counted in ClinVar's aggregate classification.